The following is an entry in ClinVar:

ClinVar aggregate classification (germline): Uncertain significance (1 of 4 stars; one submission).

Submission:

Labcorp Genetics (formerly Invitae), Labcorp
Classification: Uncertain significance. Last evaluated: 2024-10-09. Review status: criteria provided, single submitter. Criteria: Invitae Variant Classification Sherloc (09022015). Collection method: clinical testing. Allele origin: germline.
Comment: This variant, c.4584_4604dup, results in the insertion of 7 amino acid(s) of the SETBP1 protein (p.Leu1530_Pro1536dup), but otherwise preserves the integrity of the reading frame. This variant is not present in population databases (gnomAD no frequency). This variant has not been reported in the literature in individuals affected with SETBP1-related conditions. In summary, the available evidence is currently insufficient to determine the role of this variant in disease. Therefore, it has been classified as a Variant of Uncertain Significance.

NM_015559.3(SETBP1):c.4584_4604dup (p.Pro1536_Pro1537insLeuProProProProProPro)

Gene: SETBP1 (SET binding protein 1; plus strand). Cytogenetic location: 18q12.3.
Variant type: Duplication.
Coding change: c.4584_4604dup on transcript NM_015559.3 (MANE Select); coding-DNA positions 4584 to 4604, 21 bases duplicated (GCCCCTGCCGCCACCGCCGCC).
Protein change: p.Pro1536_Pro1537insLeuProProProProProPro.
Genome position (GRCh38, 1-based): chr18:45,063,491-45,063,511, GCCCCTGCCGCCACCGCCGCC duplicated; duplicating any 21 consecutive bases within chr18:45,063,477-45,063,511 gives the same sequence; the c. name uses the placement nearest the transcript's 3' end. VCF-style (leftmost placement, unchanged base first): chr18-45063476-C-CCCGCCACCGCCGCCGCCCCTG. GRCh37 (hg19) VCF-style: chr18-42643441-C-CCCGCCACCGCCGCCGCCCCTG.
Other names: c.4584_4604dup, p.Pro1536_Pro1537insLeuProProProProProPro (NM_001379141.1, NM_001379142.1); c.4413_4433dup, p.Pro1479_Pro1480insLeuProProProProProPro (NM_001410862.1).
Identifiers: ClinVar variation 3699492 (VCV003699492.2).